The following is an entry in ClinVar:

NM_005996.4(TBX3):c.1258G>T (p.Ala420Ser)

Gene: TBX3 (T-box transcription factor 3; minus strand). Cytogenetic location: 12q24.21.
Variant type: single nucleotide variant.
Coding change: c.1258G>T on transcript NM_005996.4 (MANE Select); coding-DNA position 1258, G replaced by T.
Protein change: p.Ala420Ser; replaces alanine 420 with serine.
Molecular consequence: missense variant.
Genome position (GRCh38, 1-based): chr12:114,674,617, C>A on the plus strand (G>T on the coding strand, the complement: TBX3 is on the minus strand). VCF-style: chr12-114674617-C-A. GRCh37 (hg19) VCF-style: chr12-115112422-C-A.
Other names: c.1318G>T, p.Ala440Ser (NM_016569.4); short protein forms A440S, A420S.
Identifiers: ClinVar variation 3022506 (VCV003022506.3), dbSNP rs775182377, ClinGen allele CA6809953.

ClinVar aggregate classification (germline): Uncertain significance (1 of 4 stars; one submission).

Conditions:
Ulnar-mammary syndrome (UMS). Also called: SCHINZEL SYNDROME; Ulnar-mammary syndrome of Pallister; PALLISTER ULNAR-MAMMARY SYNDROME. Identifiers: Orphanet 3138, MedGen C1866994, MONDO:0008411, OMIM 181450.

Allele frequency attached by ClinVar (database versions not stated): ExAC 0.00002.
gnomAD v4.1: 24 of 1,602,782 alleles (0.0015%); highest among the groups gnomAD compares: Non-Finnish European, 0.0019%; no homozygotes.

Submission:

Labcorp Genetics (formerly Invitae), Labcorp
Classification: Uncertain significance for Ulnar-mammary syndrome. Last evaluated: 2023-10-09. Review status: criteria provided, single submitter. Criteria: Invitae Variant Classification Sherloc (09022015). Collection method: clinical testing. Allele origin: germline.
Comment: This sequence change replaces alanine, which is neutral and non-polar, with serine, which is neutral and polar, at codon 420 of the TBX3 protein (p.Ala420Ser). The frequency data for this variant in the population databases is considered unreliable, as metrics indicate poor data quality at this position in the gnomAD database. This variant has not been reported in the literature in individuals affected with TBX3-related conditions. An algorithm developed to predict the effect of missense changes on protein structure and function (PolyPhen-2) suggests that this variant is likely to be tolerated. In summary, the available evidence is currently insufficient to determine the role of this variant in disease. Therefore, it has been classified as a Variant of Uncertain Significance.